The following is an entry in ClinVar:

NM_001371623.1(TCOF1):c.3365C>T (p.Thr1122Ile)

Gene: TCOF1 (treacle ribosome biogenesis factor 1; plus strand). Cytogenetic location: 5q32.
Variant type: single nucleotide variant.
Coding change: c.3365C>T on transcript NM_001371623.1 (MANE Select); coding-DNA position 3365, C replaced by T.
Protein change: p.Thr1122Ile; replaces threonine 1122 with isoleucine.
Molecular consequence: missense variant.
Genome position (GRCh38, 1-based): chr5:150,392,024, C>T. VCF-style: chr5-150392024-C-T. GRCh37 (hg19) VCF-style: chr5-149771587-C-T.
Other names: c.3134C>T, p.Thr1045Ile (NM_000356.4, NM_001135245.2); c.3365C>T, p.Thr1122Ile (NM_001135243.2); c.3251C>T, p.Thr1084Ile (NM_001135244.2, NM_001195141.2); c.3131C>T, p.Thr1044Ile (NM_001437406.1); short protein forms T1044I, T1045I, T1084I, T1122I.
Identifiers: ClinVar variation 5040402 (VCV005040402.1).

ClinVar aggregate classification (germline): Likely benign (1 of 4 stars; one submission).

gnomAD v4.1: 18 of 1,614,142 alleles (0.0011%); highest among the groups gnomAD compares: Admixed American, 0.03%; no homozygotes.

Submission:

CeGaT Center for Human Genetics Tuebingen
Classification: Likely benign. Last evaluated: 2026-08-01. Review status: criteria provided, single submitter. Criteria: CeGaT Center For Human Genetics Tuebingen Variant Classification Criteria Version 2. Collection method: clinical testing. Allele origin: germline. Affected: yes. Observed: 1 variant allele.
Comment: TCOF1: BP4